The following is an entry in ClinVar:

ClinVar aggregate classification (germline): Likely pathogenic (1 of 4 stars; one submission).

Submission:

Mayo Clinic Laboratories, Mayo Clinic
Classification: Likely pathogenic. Last evaluated: 2025-09-29. Review status: criteria provided, single submitter. Criteria: ACMG Guidelines, 2015. Collection method: clinical testing. Allele origin: germline. Observed: 1 variant allele.
Comment: PM2_supporting, PVS1

NM_001009944.3(PKD1):c.12163dup (p.Leu4055fs)

Gene: PKD1 (polycystin 1, transient receptor potential channel interacting; minus strand). Cytogenetic location: 16p13.3.
Variant type: Duplication.
Coding change: c.12163dup on transcript NM_001009944.3 (MANE Select); coding-DNA position 12163, one base duplicated (C; older notation c.12163dupC).
Protein change: p.Leu4055fs; shifts the reading frame from leucine 4055.
Molecular consequence: frameshift variant.
Genome position (GRCh38, 1-based): chr16:2,090,566, G duplicated on the plus strand (C on the coding strand, the reverse complement: PKD1 is on the minus strand); the first of 3 consecutive G bases (chr16:2,090,566-2,090,568); duplicating any one gives the same sequence. VCF-style (leftmost placement, unchanged base first): chr16-2090565-A-AG. GRCh37 (hg19) VCF-style: chr16-2140566-A-AG.
Other names: p.Leu4055Profs*102; c.12160dup, p.Leu4054fs (NM_000296.4); short protein forms L4054fs, L4055fs.
Identifiers: ClinVar variation 4541987 (VCV004541987.1).